The following is an entry in ClinVar:

NM_006080.3(SEMA3A):c.1860+5A>G

Gene: SEMA3A (semaphorin 3A; minus strand). Cytogenetic location: 7q21.11.
Variant type: single nucleotide variant.
Coding change: c.1860+5A>G on transcript NM_006080.3 (MANE Select); 5 bases into the intron after coding-DNA position 1860, A replaced by G.
Molecular consequence: intron variant.
Genome position (GRCh38, 1-based): chr7:83,963,200, T>C on the plus strand (A>G on the coding strand, the complement: SEMA3A is on the minus strand). VCF-style: chr7-83963200-T-C. GRCh37 (hg19) VCF-style: chr7-83592516-T-C.
Identifiers: ClinVar variation 3029332 (VCV003029332.2), dbSNP rs1344080312, ClinGen allele CA575826573.

ClinVar aggregate classification (germline): Likely benign (0 of 4 stars; one submission).

Conditions:
SEMA3A-related disorder. Also called: SEMA3A-related condition.

Allele frequency attached by ClinVar (database versions not stated): gnomAD 0.00001; gnomAD exomes 0.00001; TOPMed 0.00002.
gnomAD v4.1: 9 of 1,612,504 alleles (0.00056%); highest among the groups gnomAD compares: African/African-American, 0.0013%; no homozygotes.

Submission:

PreventionGenetics, part of Exact Sciences
Classification: Likely benign for SEMA3A-related condition. Last evaluated: 2023-05-19. Review status: no assertion criteria provided. Collection method: clinical testing. Allele origin: germline.
Comment: This variant is classified as likely benign based on ACMG/AMP sequence variant interpretation guidelines (Richards et al. 2015 PMID: 25741868, with internal and published modifications).